The following is an entry in ClinVar:

NM_007194.4(CHEK2):c.1210del (p.Tyr404fs)

Gene: CHEK2 (checkpoint kinase 2; minus strand). Cytogenetic location: 22q12.1.
Variant type: Deletion.
Coding change: c.1210del on transcript NM_007194.4 (MANE Select); coding-DNA position 1210, one base deleted (T; older notation c.1210delT).
Protein change: p.Tyr404fs; shifts the reading frame from tyrosine 404.
Molecular consequence: frameshift variant.
Genome position (GRCh38, 1-based): chr22:28,695,759, A deleted on the plus strand (T on the coding strand, the reverse complement: CHEK2 is on the minus strand). VCF-style (leftmost placement, unchanged base first): chr22-28695758-TA-T. GRCh37 (hg19) VCF-style: chr22-29091746-TA-T.
Other names: c.1339delT, p.Tyr447Ilefs (NM_001005735.3); c.547delT, p.Tyr183Ilefs (NM_001257387.3); c.1009delT, p.Tyr337Ilefs (NM_001349956.3); c.1123delT, p.Tyr375Ilefs (NM_145862.3); short protein forms Y183fs, Y337fs, Y375fs, Y447fs, Y404fs.
Identifiers: ClinVar variation 2710273 (VCV002710273.4), dbSNP rs2517805482, ClinGen allele CA2697552655.

ClinVar aggregate classification (germline): Pathogenic. Review status: criteria provided, single submitter (1 of 4 stars). 2 submissions from 2 submitters: Pathogenic (1). 1 of the submissions does not count toward it. Last evaluated 2024-01-19.

Conditions:
CHEK2-related disorder.
Familial cancer of breast. Also called: hereditary breast carcinoma; Hereditary breast cancer; BREAST CANCER, FAMILIAL. Identifiers: Orphanet 227535, MedGen C0346153, MONDO:0016419, OMIM 114480. Disease mechanism: loss of function.

Submissions (2):

Labcorp Genetics (formerly Invitae), Labcorp
Classification: Pathogenic for Familial cancer of breast. Last evaluated: 2024-01-19. Review status: criteria provided, single submitter. Criteria: Invitae Variant Classification Sherloc (09022015). Collection method: clinical testing. Allele origin: germline.
Comment: This sequence change creates a premature translational stop signal (p.Tyr404Ilefs*10) in the CHEK2 gene. It is expected to result in an absent or disrupted protein product. Loss-of-function variants in CHEK2 are known to be pathogenic (PMID: 21876083, 24713400). This variant is not present in population databases (gnomAD no frequency). This variant has not been reported in the literature in individuals affected with CHEK2-related conditions. For these reasons, this variant has been classified as Pathogenic.

PreventionGenetics, part of Exact Sciences
Classification: Likely pathogenic for CHEK2-related condition. Last evaluated: 2024-08-20. Review status: no assertion criteria provided. Collection method: clinical testing. Allele origin: germline. Not counted in ClinVar's aggregate classification.
Comment: The CHEK2 c.1210delT variant is predicted to result in a frameshift and premature protein termination (p.Tyr404Ilefs*10). To our knowledge, this variant has not been reported in the literature. This variant has not been reported in a large population database, indicating this variant is rare. This variant is interpreted as pathogenic in ClinVar. Frameshift variants in CHEK2 are expected to be pathogenic. This variant is interpreted as likely pathogenic.

Literature cited by the submitters: PubMed 21876083 (cited by Labcorp Genetics (formerly Invitae), Labcorp); PubMed 24713400 (cited by Labcorp Genetics (formerly Invitae), Labcorp).